The following continues an entry in ClinVar:

NM_000238.4(KCNH2):c.3457C>T (p.His1153Tyr)

Gene: KCNH2. ClinVar aggregate classification (germline): Uncertain significance. Uncertain significance (9).

Submissions 10 to 11 of 11:

Research Institute, Imperial College London Diabetes Centre
Classification: Likely pathogenic for Long QT syndrome 2. Last evaluated: 2021-01-24. Review status: no assertion criteria provided. Collection method: clinical testing. Allele origin: germline. Inheritance: Autosomal dominant inheritance. Affected: yes and no. Observed: 3 heterozygotes, 1 compound heterozygote. Not counted in ClinVar's aggregate classification.
Comment: The c.3457 C>T p.(His1153Tyr) variant detected in heterozygosity in the KCNH2 gene, is described in the literature in one patient with Long QT syndrome (PMID: 16414944) and in a case of sudden death (PMID: 26164358). This variant has been identified in population databases dbSNP (rs199473035), gnomAD with allele frequency (AF) of 0.00483%, exome aggregation consortium (ExAC) with AF of 0.00019 and absent in the database ESP. This rare variant is located in a moderately conserved residue in the distal C-terminus domain of the KCNH2 protein. Computational prediction tools and conservation analyses suggest that this variant may have a deleterious impact on the protein function (ClinVar ). Bioinformatics tools do not agree on the potential impact of this missense change (SIFT: "Deleterious"; PolyPhen-2: "Possibly Damaging"; Align-GVGD: "Class C0"). Therefore, it has been classified as a variant of uncertain clinical significance in ClinVar (Variation ID: 67497). The functional characterization of the H1153Y channel variant in Xenopus oocytes showed a loss of function and no dominant negative effect on wild-type (WT) channels (Limberg, M., 2011). These results concur with a recent study that identified this H1153Y KCNH2 variant in a sudden arrhythmic death syndrome case. The study showed that the H1153Y variant causes a loss of KCNH2 channel function that reduces the current density leading to LQT2. (Farrugia, A. et al., 2021).

Cardiovascular Biomedical Research Unit, Royal Brompton & Harefield NHS Foundation Trust
No classification provided. Condition: Familial long QT syndrome. Review status: no classification provided. Collection method: literature only. Allele origin: germline. Not counted in ClinVar's aggregate classification.
Comment: This variant has been reported as associated with Long QT syndrome in the following publications (PMID:16414944). This is a literature report, and does not necessarily reflect the clinical interpretation of the Imperial College / Royal Brompton Cardiovascular Genetics laboratory.

Literature cited by the submitters: PubMed 34502138 (cited by 5 submitters); PubMed 16414944 (cited by 7 submitters); PubMed 26164358 (cited by 6 submitters); PubMed 37901857 (cited by Labcorp Genetics (formerly Invitae), Labcorp and Ambry Genetics); PubMed 32893267 (cited by Ambry Genetics); DOI 10.17192/z2011.0347 (cited by Research Institute, Imperial College London Diabetes Centre); DOI 10.3390/ijms22179235 (cited by Research Institute, Imperial College London Diabetes Centre); PubMed 22581653 (cited by Cardiovascular Biomedical Research Unit, Royal Brompton & Harefield NHS Foundation Trust).